The following is an entry in ClinVar:

NM_006939.4(SOS2):c.2600A>G (p.Asn867Ser)

Gene: SOS2 (SOS Ras/Rho guanine nucleotide exchange factor 2; minus strand). Cytogenetic location: 14q21.3.
Variant type: single nucleotide variant.
Coding change: c.2600A>G on transcript NM_006939.4 (MANE Select); coding-DNA position 2600, A replaced by G.
Protein change: p.Asn867Ser; replaces asparagine 867 with serine.
Molecular consequence: missense variant.
Genome position (GRCh38, 1-based): chr14:50,145,237, T>C on the plus strand (A>G on the coding strand, the complement: SOS2 is on the minus strand). VCF-style: chr14-50145237-T-C. GRCh37 (hg19) VCF-style: chr14-50611955-T-C.
Other names: NM_006939.4(SOS2):c.2600A>G; p.Asn867Ser; short protein forms N867S.
Identifiers: ClinVar variation 506639 (VCV000506639.24), dbSNP rs561495878, ClinGen allele CA7177004.
Genomic context (GRCh38, chr14:50,145,237, plus strand): 5'-GTATGGTCTAGTCTGTATACTGACACTGAATTTACTGCACTGACTATCTCCAATACGCCA[T>C]TGAAATTATTCAAATCTTGAAAAACTTGCAGAATTTCTATAATTCTACTTAGTACTGCCA-3'
Protein context (NP_008870.2, residues 857-877): LQVFQDLNNF[Asn867Ser]GVLEIVSAVN

ClinVar aggregate classification (germline): Likely benign. Review status: reviewed by expert panel (3 of 4 stars). 8 submissions from 8 submitters: Likely benign (1). 7 of the submissions do not count toward it. Last evaluated 2024-12-03.

Conditions:
RASopathy. Also called: Noonan spectrum disorder; rasopathies. Identifiers: Orphanet 536391, MedGen C5555857, MONDO:0021060.
Cardiovascular phenotype. Identifiers: MedGen CN230736.
Noonan syndrome 9 (NS9). Identifiers: Orphanet 648, MedGen C4225282, MONDO:0014691, OMIM 616559.

Allele frequency attached by ClinVar (database versions not stated): gnomAD 0.00009; gnomAD exomes 0.00010 and 0.00018; TOPMed 0.00010; 1000 Genomes Project 0.00020; ExAC 0.00020; 1000 Genomes Project 30x 0.00031.
gnomAD v4.1: 152 of 1,611,374 alleles (0.0094%); highest among the groups gnomAD compares: East Asian, 0.04%; no homozygotes.

Submissions (8):

ClinGen RASopathy Variant Curation Expert Panel
Classification: Likely benign for RASopathy. Last evaluated: 2024-12-03. Review status: reviewed by expert panel. Criteria: ClinGen RASopathy ACMG Specifications SOS2 V2.3.0. Collection method: curation. Allele origin: germline. Inheritance: Autosomal dominant inheritance.
Comment: The c.2600A>G (NM_006939.4(SOS2):c.2600A>G (p.Asn867Ser)) variant in SOS2 is a missense variant predicted to cause substitution of asparagine by serine at amino acid 867. The filtering allele frequency in gnomAD v2.1.1 is 0.03346 % (BS1). The computational predictor REVEL gives a score of 0.182 which is below the threshold of 0.3, evidence that does not predict a damaging effect on SOS2 function (BP4). In summary, this variant meets the criteria to be classified as likely benign for autosomal dominant RASopathy, based on the ACMG/AMP criteria applied, as specified by the ClinGen RASopathy VCEP: BS1, BP4 (Version 2.3; 12/3/2024).

CeGaT Center for Human Genetics Tuebingen
Classification: Likely benign. Last evaluated: 2026-02-01. Review status: criteria provided, single submitter. Criteria: CeGaT Center For Human Genetics Tuebingen Variant Classification Criteria Version 2. Collection method: clinical testing. Allele origin: germline. Affected: yes. Observed: 2 variant alleles. Not counted in ClinVar's aggregate classification.
Comment: SOS2: BP4

Labcorp Genetics (formerly Invitae), Labcorp
Classification: Likely benign for Noonan syndrome 9. Last evaluated: 2026-01-14. Review status: criteria provided, single submitter. Criteria: Invitae Variant Classification Sherloc (09022015). Collection method: clinical testing. Allele origin: germline. Not counted in ClinVar's aggregate classification.

Women's Health and Genetics/Laboratory Corporation of America, LabCorp
Classification: Likely benign. Last evaluated: 2024-11-15. Review status: criteria provided, single submitter. Criteria: LabCorp Variant Classification Summary - May 2015. Collection method: clinical testing. Allele origin: germline. Not counted in ClinVar's aggregate classification.

Blueprint Genetics
Classification: Likely benign. Last evaluated: 2024-08-22. Review status: criteria provided, single submitter. Criteria: ACMG Guidelines, 2015. Collection method: clinical testing. Allele origin: germline. Not counted in ClinVar's aggregate classification.

Ambry Genetics
Classification: Likely benign for Cardiovascular phenotype. Last evaluated: 2021-11-30. Review status: criteria provided, single submitter. Criteria: Ambry Variant Classification Scheme 2023. Collection method: clinical testing. Allele origin: germline. Not counted in ClinVar's aggregate classification.

ARUP Laboratories, Molecular Genetics and Genomics, ARUP Laboratories
Classification: Uncertain significance for Noonan syndrome 9. Last evaluated: 2021-07-27. Review status: criteria provided, single submitter. Criteria: ARUP Molecular Germline Variant Investigation Process 2021. Collection method: clinical testing. Allele origin: germline. Not counted in ClinVar's aggregate classification.
Comment: The SOS2 c.2600A>G; p.Asn867Ser variant (rs561495878) has only been described in a brief abstract in one individual affected with Noonan syndrome, but clinical information was limited (Yang 2018). It is reported in ClinVar (Variation ID: 506639) and is observed in the general population at an overall frequency of 0.017% (48/282426 alleles) in the Genome Aggregation Database. The asparagine at codon 867 is highly conserved, but computational analyses are uncertain whether this variant is neutral or deleterious (REVEL: 0.182). Due to limited information, the clinical significance of the p.Asn867Ser variant is uncertain at this time. REFERENCES ESPE Abstracts (2018) 89 P-P3-235

GeneDx
Classification: Benign. Last evaluated: 2018-02-02. Review status: criteria provided, single submitter. Criteria: GeneDx Variant Classification (06012015). Collection method: clinical testing. Allele origin: germline. Affected: yes. Not counted in ClinVar's aggregate classification.
Comment: This variant is considered likely benign or benign based on one or more of the following criteria: it is a conservative change, it occurs at a poorly conserved position in the protein, it is predicted to be benign by multiple in silico algorithms, and/or has population frequency not consistent with disease.